The following is an entry in ClinVar:

NM_000258.3(MYL3):c.71C>T (p.Ala24Val)

Gene: MYL3 (myosin light chain 3; minus strand). Cytogenetic location: 3p21.31.
Variant type: single nucleotide variant.
Coding change: c.71C>T on transcript NM_000258.3 (MANE Select); coding-DNA position 71, C replaced by T.
Protein change: p.Ala24Val; replaces alanine 24 with valine.
Molecular consequence: missense variant.
Genome position (GRCh38, 1-based): chr3:46,863,320, G>A on the plus strand (C>T on the coding strand, the complement: MYL3 is on the minus strand). VCF-style: chr3-46863320-G-A. GRCh37 (hg19) VCF-style: chr3-46904810-G-A.
Other names: short protein forms A24V.
Identifiers: ClinVar variation 951125 (VCV000951125.12), dbSNP rs373278317, ClinGen allele CA73781973.

ClinVar aggregate classification (germline): Uncertain significance. Review status: criteria provided, multiple submitters, no conflicts (2 of 4 stars). 5 submissions from 5 submitters: Uncertain significance (5). Last evaluated 2025-08-28.

Conditions:
Cardiovascular phenotype. Identifiers: MedGen CN230736.
MYL3-related disorder. Also called: MYL3-related condition.
Hypertrophic cardiomyopathy 8. Also called: MYL3-Related Familial Hypertrophic Cardiomyopathy; CARDIOMYOPATHY, HYPERTROPHIC, MID-LEFT VENTRICULAR CHAMBER TYPE, 1. Identifiers: MedGen C1837471, MONDO:0012111, OMIM 608751.
Hypertrophic cardiomyopathy. Also called: HYPERTROPHIC MYOCARDIOPATHY. Identifiers: Orphanet 217569, MedGen C0007194, MeSH D002312, MONDO:0005045, HP:0001639.

Allele frequency attached by ClinVar (database versions not stated): gnomAD 0.00001; gnomAD exomes 0.00001; TOPMed 0.00002; ESP Exome Variant Server 0.00008.
gnomAD v4.1: 5 of 1,613,932 alleles (0.00031%); highest among the groups gnomAD compares: Admixed American, 0.005%; no homozygotes.

Submissions (5):

PreventionGenetics, part of Exact Sciences
Classification: Uncertain significance for MYL3-related condition. Last evaluated: 2025-08-28. Review status: criteria provided, single submitter. Criteria: ACMG Guidelines, 2015. Collection method: clinical testing. Allele origin: germline.
Comment: The MYL3 c.71C>T variant is predicted to result in the amino acid substitution p.Ala24Val. To our knowledge, this variant has not been reported in the literature. This variant is reported in 0.0087% of alleles in individuals of Latino descent in gnomAD. At this time, the clinical significance of this variant is uncertain due to the absence of conclusive functional and genetic evidence.

GeneDx
Classification: Uncertain significance. Last evaluated: 2025-05-29. Review status: criteria provided, single submitter. Criteria: GeneDx Variant Classification Process June 2021. Collection method: clinical testing. Allele origin: germline. Affected: yes.
Comment: Not observed at significant frequency in large population cohorts (gnomAD); In silico analysis supports that this missense variant has a deleterious effect on protein structure/function; Has not been previously published as pathogenic or benign to our knowledge

Ambry Genetics
Classification: Uncertain significance for Cardiovascular phenotype. Last evaluated: 2025-03-14. Review status: criteria provided, single submitter. Criteria: Ambry Variant Classification Scheme 2023. Collection method: clinical testing. Allele origin: germline.
Comment: The p.A24V variant (also known as c.71C>T), located in coding exon 1 of the MYL3 gene, results from a C to T substitution at nucleotide position 71. The alanine at codon 24 is replaced by valine, an amino acid with similar properties. This amino acid position is conserved. In addition, this alteration is predicted to be tolerated by in silico analysis. Since supporting evidence is limited at this time, the clinical significance of this alteration remains unclear.

Labcorp Genetics (formerly Invitae), Labcorp
Classification: Uncertain significance for Hypertrophic cardiomyopathy. Last evaluated: 2024-03-13. Review status: criteria provided, single submitter. Criteria: Invitae Variant Classification Sherloc (09022015). Collection method: clinical testing. Allele origin: germline.
Comment: This sequence change replaces alanine, which is neutral and non-polar, with valine, which is neutral and non-polar, at codon 24 of the MYL3 protein (p.Ala24Val). This variant is present in population databases (rs373278317, gnomAD 0.009%). This variant has not been reported in the literature in individuals affected with MYL3-related conditions. ClinVar contains an entry for this variant (Variation ID: 951125). Experimental studies and prediction algorithms are not available or were not evaluated, and the functional significance of this variant is currently unknown. In summary, the available evidence is currently insufficient to determine the role of this variant in disease. Therefore, it has been classified as a Variant of Uncertain Significance.

Fulgent Genetics
Classification: Uncertain significance for Hypertrophic cardiomyopathy 8. Last evaluated: 2021-08-16. Review status: criteria provided, single submitter. Criteria: ACMG Guidelines, 2015. Collection method: clinical testing. Allele origin: unknown.